The following is an entry in ClinVar:

ClinVar aggregate classification (germline): Uncertain significance. Review status: criteria provided, multiple submitters, no conflicts (2 of 4 stars). 2 submissions from 2 submitters: Uncertain significance (2). Last evaluated 2025-11-04.

Conditions:
TRRAP-related disorder. Also called: TRRAP-related condition.

Allele frequency attached by ClinVar (database versions not stated): gnomAD exomes below 0.00001.
gnomAD v4.1: 1 of 1,614,050 alleles (0.000062%); highest among the groups gnomAD compares: Non-Finnish European, 0.000085%; no homozygotes.

Submissions (2):

PreventionGenetics, part of Exact Sciences
Classification: Uncertain significance for TRRAP-related condition. Last evaluated: 2025-11-04. Review status: criteria provided, single submitter. Criteria: ACMG Guidelines, 2015. Collection method: clinical testing. Allele origin: germline.
Comment: The TRRAP c.9032C>T variant is predicted to result in the amino acid substitution p.Ala3011Val. To our knowledge, this variant has not been reported in the literature. This variant is absent from a large population database (gnomAD, previous v2.1 version), indicating this variant is rare; however, this variant is present in 1 heterozygote in gnomAD v4.0 (current version). At this time, the clinical significance of this variant is uncertain due to the absence of conclusive functional and genetic evidence.

Labcorp Genetics (formerly Invitae), Labcorp
Classification: Uncertain significance. Last evaluated: 2022-07-02. Review status: criteria provided, single submitter. Criteria: Invitae Variant Classification Sherloc (09022015). Collection method: clinical testing. Allele origin: germline.
Comment: In summary, the available evidence is currently insufficient to determine the role of this variant in disease. Therefore, it has been classified as a Variant of Uncertain Significance. Algorithms developed to predict the effect of missense changes on protein structure and function are either unavailable or do not agree on the potential impact of this missense change (SIFT: "Tolerated"; PolyPhen-2: "Possibly Damaging"; Align-GVGD: "Class C0"). This variant has not been reported in the literature in individuals affected with TRRAP-related conditions. This variant is not present in population databases (gnomAD no frequency). This sequence change replaces alanine, which is neutral and non-polar, with valine, which is neutral and non-polar, at codon 3011 of the TRRAP protein (p.Ala3011Val).

NM_001375524.1(TRRAP):c.9107C>T (p.Ala3036Val)

Gene: TRRAP (transformation/transcription domain associated protein; plus strand). Cytogenetic location: 7q22.1.
Variant type: single nucleotide variant.
Coding change: c.9107C>T on transcript NM_001375524.1 (MANE Select); coding-DNA position 9107, C replaced by T.
Protein change: p.Ala3036Val; replaces alanine 3036 with valine.
Molecular consequence: missense variant.
Genome position (GRCh38, 1-based): chr7:98,984,177, C>T. VCF-style: chr7-98984177-C-T. GRCh37 (hg19) VCF-style: chr7-98581800-C-T.
Other names: c.9119C>T, p.Ala3040Val (NM_001244580.2); c.9032C>T, p.Ala3011Val (NM_003496.4); c.9032C>T (NM_003496.3); short protein forms A3011V, A3036V, A3040V.
Identifiers: ClinVar variation 1939859 (VCV001939859.7), dbSNP rs2484977159, ClinGen allele CA368315541.